The following is an entry in ClinVar:

ClinVar aggregate classification (germline): Benign/Likely benign. Review status: criteria provided, multiple submitters, no conflicts (2 of 4 stars). 3 submissions from 3 submitters: Benign (1); Likely benign (1). 1 of the submissions does not count toward it. Last evaluated 2024-04-16.

Conditions:
F13A1-related disorder. Also called: F13A1-related condition.

Allele frequency attached by ClinVar (database versions not stated): gnomAD exomes 0.00015 and 0.00037; ExAC 0.00043; 1000 Genomes Project 30x 0.00062; 1000 Genomes Project 0.00080; gnomAD 0.00157 and 0.00174; TOPMed 0.00185; ESP Exome Variant Server 0.00223.
gnomAD v4.1: 459 of 1,614,158 alleles (0.028%); highest among the groups gnomAD compares: African/African-American, 0.58%; no homozygotes.

Submissions (3):

Women's Health and Genetics/Laboratory Corporation of America, LabCorp
Classification: Likely benign. Last evaluated: 2024-04-16. Review status: criteria provided, single submitter. Criteria: LabCorp Variant Classification Summary - May 2015. Collection method: clinical testing. Allele origin: germline.

Labcorp Genetics (formerly Invitae), Labcorp
Classification: Benign. Last evaluated: 2018-08-20. Review status: criteria provided, single submitter. Criteria: Invitae Variant Classification Sherloc (09022015). Collection method: clinical testing. Allele origin: germline.

PreventionGenetics, part of Exact Sciences
Classification: Likely benign for F13A1-related condition. Last evaluated: 2019-06-11. Review status: no assertion criteria provided. Collection method: clinical testing. Allele origin: germline. Not counted in ClinVar's aggregate classification.
Comment: This variant is classified as likely benign based on ACMG/AMP sequence variant interpretation guidelines (Richards et al. 2015 PMID: 25741868, with internal and published modifications).

NM_000129.4(F13A1):c.1620C>T (p.Phe540=)

Gene: F13A1 (coagulation factor XIII A chain; minus strand). Cytogenetic location: 6p25.1.
Variant type: single nucleotide variant.
Coding change: c.1620C>T on transcript NM_000129.4 (MANE Select); coding-DNA position 1620, C replaced by T.
Protein change: p.Phe540=; no amino-acid change (phenylalanine 540 retained).
Molecular consequence: synonymous variant.
Genome position (GRCh38, 1-based): chr6:6,174,707, G>A on the plus strand (C>T on the coding strand, the complement: F13A1 is on the minus strand). VCF-style: chr6-6174707-G-A. GRCh37 (hg19) VCF-style: chr6-6174940-G-A.
Identifiers: ClinVar variation 716120 (VCV000716120.6), dbSNP rs142891701, ClinGen allele CA3624298.